The following is an entry in ClinVar:

ClinVar aggregate classification (germline): Benign (1 of 4 stars; one submission).

Allele frequency attached by ClinVar (database versions not stated): 1000 Genomes Project 0.01178; 1000 Genomes Project 30x 0.01296; TOPMed 0.03208; gnomAD 0.04039.
gnomAD v4.1: 5,358 of 152,328 alleles (3.5%); highest among the groups gnomAD compares: Non-Finnish European, 5.6%; 146 homozygotes.

Submission:

GeneDx
Classification: Benign. Last evaluated: 2018-06-19. Review status: criteria provided, single submitter. Criteria: GeneDx Variant Classification (06012015). Collection method: clinical testing. Allele origin: germline. Affected: yes.
Comment: This variant is considered likely benign or benign based on one or more of the following criteria: it is a conservative change, it occurs at a poorly conserved position in the protein, it is predicted to be benign by multiple in silico algorithms, and/or has population frequency not consistent with disease.

NM_003850.3(SUCLA2):c.664-209A>G

Gene: SUCLA2 (succinate-CoA ligase ADP-forming subunit beta; minus strand). Cytogenetic location: 13q14.2.
Variant type: single nucleotide variant.
Coding change: c.664-209A>G on transcript NM_003850.3 (MANE Select); 209 bases into the intron before coding-DNA position 664, A replaced by G.
Molecular consequence: intron variant.
Genome position (GRCh38, 1-based): chr13:47,968,942, T>C on the plus strand (A>G on the coding strand, the complement: SUCLA2 is on the minus strand). VCF-style: chr13-47968942-T-C. GRCh37 (hg19) VCF-style: chr13-48543077-T-C.
Identifiers: ClinVar variation 679024 (VCV000679024.1), dbSNP rs35316133, ClinGen allele CA249267344.
Genomic context (GRCh38, chr13:47,968,942, plus strand): 5'-AATGGTTAAACAAAACTTTTTATTCAAAATCTTCAAAAGATAGATATTATGCCCATTTTA[T>C]AGATAAGAAAGAGATTCAGAGAGATCAAGTAACTTGCCATTCATTGGCCTAGATTCCAGT-3'